The following is an entry in ClinVar:

NM_006348.5(COG5):c.68C>G (p.Ala23Gly)

Gene: COG5 (component of oligomeric golgi complex 5; minus strand). Cytogenetic location: 7q22.3.
Variant type: single nucleotide variant.
Coding change: c.68C>G on transcript NM_006348.5 (MANE Select); coding-DNA position 68, C replaced by G.
Protein change: p.Ala23Gly; replaces alanine 23 with glycine.
Molecular consequence: missense variant.
Genome position (GRCh38, 1-based): chr7:107,563,829, G>C on the plus strand (C>G on the coding strand, the complement: COG5 is on the minus strand). VCF-style: chr7-107563829-G-C. GRCh37 (hg19) VCF-style: chr7-107204274-G-C.
Other names: c.68C>G, p.Ala23Gly (NM_001161520.2, NM_001379511.1, NM_001379512.1 and 5 more transcripts); short protein forms A23G.
Identifiers: ClinVar variation 1420493 (VCV001420493.5), dbSNP rs2129184361, ClinGen allele CA368826136.

ClinVar aggregate classification (germline): Uncertain significance (1 of 4 stars; one submission).

Conditions:
COG5-congenital disorder of glycosylation. Also called: COG5-CDG; CONGENITAL DISORDER OF GLYCOSYLATION, TYPE IIi; CDG IIi. Identifiers: Orphanet 263487, MedGen C3150876, MONDO:0013325, OMIM 613612.

Submission:

Labcorp Genetics (formerly Invitae), Labcorp
Classification: Uncertain significance for COG5-congenital disorder of glycosylation. Last evaluated: 2024-10-22. Review status: criteria provided, single submitter. Criteria: Invitae Variant Classification Sherloc (09022015). Collection method: clinical testing. Allele origin: germline.
Comment: This sequence change replaces alanine, which is neutral and non-polar, with glycine, which is neutral and non-polar, at codon 54 of the COG5 protein (p.Ala54Gly). This variant is not present in population databases (gnomAD no frequency). This variant has not been reported in the literature in individuals affected with COG5-related conditions. ClinVar contains an entry for this variant (Variation ID: 1420493). An algorithm developed to predict the effect of missense changes on protein structure and function (PolyPhen-2) suggests that this variant is likely to be tolerated. Algorithms developed to predict the effect of sequence changes on RNA splicing suggest that this variant may create or strengthen a splice site. In summary, the available evidence is currently insufficient to determine the role of this variant in disease. Therefore, it has been classified as a Variant of Uncertain Significance.